The following is an entry in ClinVar:

NM_001378964.1(CDON):c.1664C>T (p.Pro555Leu)

Gene: CDON (cell adhesion associated, oncogene regulated; minus strand). Cytogenetic location: 11q24.2.
Variant type: single nucleotide variant.
Coding change: c.1664C>T on transcript NM_001378964.1 (MANE Select); coding-DNA position 1664, C replaced by T.
Protein change: p.Pro555Leu; replaces proline 555 with leucine.
Molecular consequence: missense variant.
Genome position (GRCh38, 1-based): chr11:126,005,946, G>A on the plus strand (C>T on the coding strand, the complement: CDON is on the minus strand). VCF-style: chr11-126005946-G-A. GRCh37 (hg19) VCF-style: chr11-125875841-G-A.
Other names: c.1664C>T, p.Pro555Leu (NM_001243597.3, NM_016952.6); short protein forms P555L.
Identifiers: ClinVar variation 1366185 (VCV001366185.8), dbSNP rs143213791, ClinGen allele CA6351978.

ClinVar aggregate classification (germline): Uncertain significance (1 of 4 stars; one submission).

Conditions:
Holoprosencephaly 11 (HPE11). Identifiers: Orphanet 2162, MedGen C3280215, MONDO:0013642, OMIM 614226.

Allele frequency attached by ClinVar (database versions not stated): gnomAD 0.00003; gnomAD exomes 0.00005 and 0.00006; TOPMed 0.00005; ESP Exome Variant Server 0.00008; ExAC 0.00009.
gnomAD v4.1: 75 of 1,613,952 alleles (0.0046%); highest among the groups gnomAD compares: Admixed American, 0.01%; no homozygotes.

Submission:

Labcorp Genetics (formerly Invitae), Labcorp
Classification: Uncertain significance for Holoprosencephaly 11. Last evaluated: 2025-01-29. Review status: criteria provided, single submitter. Criteria: Invitae Variant Classification Sherloc (09022015). Collection method: clinical testing. Allele origin: germline.
Comment: This sequence change replaces proline, which is neutral and non-polar, with leucine, which is neutral and non-polar, at codon 555 of the CDON protein (p.Pro555Leu). This variant is present in population databases (rs143213791, gnomAD 0.02%). This variant has not been reported in the literature in individuals affected with CDON-related conditions. ClinVar contains an entry for this variant (Variation ID: 1366185). Invitae Evidence Modeling of protein sequence and biophysical properties (such as structural, functional, and spatial information, amino acid conservation, physicochemical variation, residue mobility, and thermodynamic stability) indicates that this missense variant is not expected to disrupt CDON protein function with a negative predictive value of 80%. In summary, the available evidence is currently insufficient to determine the role of this variant in disease. Therefore, it has been classified as a Variant of Uncertain Significance.